The following is an entry in ClinVar:

NM_024675.4(PALB2):c.2499A>T (p.Lys833Asn)

Gene: PALB2 (partner and localizer of BRCA2; minus strand). Cytogenetic location: 16p12.2.
Variant type: single nucleotide variant.
Coding change: c.2499A>T on transcript NM_024675.4 (MANE Select); coding-DNA position 2499, A replaced by T.
Protein change: p.Lys833Asn; replaces lysine 833 with asparagine.
Molecular consequence: missense variant.
Genome position (GRCh38, 1-based): chr16:23,629,655, T>A on the plus strand (A>T on the coding strand, the complement: PALB2 is on the minus strand). VCF-style: chr16-23629655-T-A. GRCh37 (hg19) VCF-style: chr16-23640976-T-A.
Other names: short protein forms K833N.
Identifiers: ClinVar variation 580920 (VCV000580920.10), dbSNP rs1567217151, ClinGen allele CA395123967.

ClinVar aggregate classification (germline): Uncertain significance (1 of 4 stars; one submission).

Conditions:
Familial cancer of breast. Also called: BREAST CANCER, FAMILIAL; hereditary breast carcinoma; Hereditary breast cancer. Identifiers: Orphanet 227535, MedGen C0346153, MONDO:0016419, OMIM 114480. Disease mechanism: loss of function.

Submission:

Labcorp Genetics (formerly Invitae), Labcorp
Classification: Uncertain significance for Familial cancer of breast. Last evaluated: 2018-11-21. Review status: criteria provided, single submitter. Criteria: Invitae Variant Classification Sherloc (09022015). Collection method: clinical testing. Allele origin: germline.
Comment: This variant has not been reported in the literature in individuals with PALB2-related disease. Algorithms developed to predict the effect of missense changes on protein structure and function output the following: SIFT: "Deleterious"; PolyPhen-2: "Benign"; Align-GVGD: "Class C0". The asparagine amino acid residue is found in multiple mammalian species, suggesting that this missense change does not adversely affect protein function. These predictions have not been confirmed by published functional studies and their clinical significance is uncertain. In summary, the available evidence is currently insufficient to determine the role of this variant in disease. Therefore, it has been classified as a Variant of Uncertain Significance. This variant is not present in population databases (ExAC no frequency). This sequence change replaces lysine with asparagine at codon 833 of the PALB2 protein (p.Lys833Asn). The lysine residue is weakly conserved and there is a moderate physicochemical difference between lysine and asparagine.